The following is an entry in ClinVar:

ClinVar aggregate classification (germline): Uncertain significance (1 of 4 stars; one submission).

Conditions:
Microcephaly, normal intelligence and immunodeficiency (NBS). Also called: BERLIN BREAKAGE SYNDROME; Immunodeficiency, microcephaly with normal intelligence; Ataxia telangiectasia variant V1; Nijmegen breakage syndrome; Microcephaly with normal intelligence immunodeficiency and lymphoreticular malignancies; Nonsyndromal microcephaly autosomal recessive with normal intelligence. Identifiers: Orphanet 647, MedGen C0398791, MONDO:0009623, OMIM 251260.

Allele frequency attached by ClinVar (database versions not stated): gnomAD exomes below 0.00001.

Submission:

Labcorp Genetics (formerly Invitae), Labcorp
Classification: Uncertain significance for Microcephaly, normal intelligence and immunodeficiency. Last evaluated: 2022-05-27. Review status: criteria provided, single submitter. Criteria: Invitae Variant Classification Sherloc (09022015). Collection method: clinical testing. Allele origin: germline.
Comment: This sequence change replaces valine, which is neutral and non-polar, with alanine, which is neutral and non-polar, at codon 578 of the NBN protein (p.Val578Ala). This variant is not present in population databases (gnomAD no frequency). This variant has not been reported in the literature in individuals affected with NBN-related conditions. Algorithms developed to predict the effect of missense changes on protein structure and function (SIFT, PolyPhen-2, Align-GVGD) all suggest that this variant is likely to be tolerated. In summary, the available evidence is currently insufficient to determine the role of this variant in disease. Therefore, it has been classified as a Variant of Uncertain Significance.

NM_002485.5(NBN):c.1733T>C (p.Val578Ala)

Gene: NBN (nibrin; minus strand). Cytogenetic location: 8q21.3.
Variant type: single nucleotide variant.
Coding change: c.1733T>C on transcript NM_002485.5 (MANE Select); coding-DNA position 1733, T replaced by C.
Protein change: p.Val578Ala; replaces valine 578 with alanine.
Molecular consequence: missense variant.
Genome position (GRCh38, 1-based): chr8:89,953,356, A>G on the plus strand (T>C on the coding strand, the complement: NBN is on the minus strand). VCF-style: chr8-89953356-A-G. GRCh37 (hg19) VCF-style: chr8-90965584-A-G.
Other names: c.1487T>C, p.Val496Ala (NM_001024688.3); short protein forms V578A, V496A.
Identifiers: ClinVar variation 1999640 (VCV001999640.1), dbSNP rs2488229795, ClinGen allele CA371655214.